The following is an entry in ClinVar:

ClinVar aggregate classification (germline): Uncertain significance. Review status: criteria provided, multiple submitters, no conflicts (2 of 4 stars). 2 submissions from 2 submitters: Uncertain significance (2). Last evaluated 2025-04-13.

Conditions:
Inborn genetic diseases. Identifiers: MedGen C0950123, MeSH D030342.
Fanconi anemia (FA). Also called: Fanconi's anemia. Identifiers: Orphanet 84, MedGen C0015625, MeSH D005199, MONDO:0019391.

gnomAD v4.1: 4 of 1,613,512 alleles (0.00025%); highest among the groups gnomAD compares: Non-Finnish European, 0.00034%; no homozygotes.

Submissions (2):

Ambry Genetics
Classification: Uncertain significance for Inborn genetic diseases. Last evaluated: 2025-04-13. Review status: criteria provided, single submitter. Criteria: Ambry Variant Classification Scheme 2023. Collection method: clinical testing. Allele origin: germline.
Comment: The p.K71N variant (also known as c.213A>T), located in coding exon 3 of the FANCA gene, results from an A to T substitution at nucleotide position 213. The lysine at codon 71 is replaced by asparagine, an amino acid with similar properties. This amino acid position is conserved. In addition, this alteration is predicted to be tolerated by in silico analysis. Based on the available evidence, the clinical significance of this variant remains unclear.

Labcorp Genetics (formerly Invitae), Labcorp
Classification: Uncertain significance for Fanconi anemia. Last evaluated: 2021-08-26. Review status: criteria provided, single submitter. Criteria: Invitae Variant Classification Sherloc (09022015). Collection method: clinical testing. Allele origin: germline.
Comment: This sequence change replaces lysine with asparagine at codon 71 of the FANCA protein (p.Lys71Asn). The lysine residue is weakly conserved and there is a moderate physicochemical difference between lysine and asparagine. This variant is not present in population databases (ExAC no frequency). This variant has not been reported in the literature in individuals affected with FANCA-related conditions. Algorithms developed to predict the effect of missense changes on protein structure and function (SIFT, PolyPhen-2, Align-GVGD) all suggest that this variant is likely to be tolerated. In summary, the available evidence is currently insufficient to determine the role of this variant in disease. Therefore, it has been classified as a Variant of Uncertain Significance.

NM_000135.4(FANCA):c.213A>T (p.Lys71Asn)

Gene: FANCA (FA complementation group A; minus strand). Cytogenetic location: 16q24.3.
Variant type: single nucleotide variant.
Coding change: c.213A>T on transcript NM_000135.4 (MANE Select); coding-DNA position 213, A replaced by T.
Protein change: p.Lys71Asn; replaces lysine 71 with asparagine.
Molecular consequence: missense variant.
Genome position (GRCh38, 1-based): chr16:89,814,590, T>A on the plus strand (A>T on the coding strand, the complement: FANCA is on the minus strand). VCF-style: chr16-89814590-T-A. GRCh37 (hg19) VCF-style: chr16-89880998-T-A.
Other names: c.213A>T, p.Lys71Asn (NM_001018112.3, NM_001286167.3, NM_001351830.2); short protein forms K71N.
Identifiers: ClinVar variation 966519 (VCV000966519.7), dbSNP rs2041027459, ClinGen allele CA397482573.